The following is an entry in ClinVar:

ClinVar aggregate classification (germline): Likely benign. Review status: criteria provided, multiple submitters, no conflicts (2 of 4 stars). 3 submissions from 3 submitters: Likely benign (3). Last evaluated 2024-12-01.

Allele frequency attached by ClinVar (database versions not stated): gnomAD exomes 0.00001; gnomAD 0.00002; TOPMed 0.00003; ESP Exome Variant Server 0.00008.
gnomAD v4.1: 15 of 1,612,500 alleles (0.00093%); highest among the groups gnomAD compares: African/African-American, 0.004%; no homozygotes.

Submissions (3):

CeGaT Center for Human Genetics Tuebingen
Classification: Likely benign. Last evaluated: 2024-12-01. Review status: criteria provided, single submitter. Criteria: CeGaT Center For Human Genetics Tuebingen Variant Classification Criteria Version 2. Collection method: clinical testing. Allele origin: germline. Affected: yes. Observed: 1 variant allele.
Comment: LRP2: BP4, BP7

Labcorp Genetics (formerly Invitae), Labcorp
Classification: Likely benign. Last evaluated: 2024-05-20. Review status: criteria provided, single submitter. Criteria: Invitae Variant Classification Sherloc (09022015). Collection method: clinical testing. Allele origin: germline.

Blueprint Genetics
Classification: Likely benign. Last evaluated: 2022-01-29. Review status: criteria provided, single submitter. Criteria: ACMG Guidelines, 2015. Collection method: clinical testing. Allele origin: germline.

NM_004525.3(LRP2):c.2631C>T (p.Ile877=)

Gene: LRP2 (LDL receptor related protein 2; minus strand). Cytogenetic location: 2q31.1.
Variant type: single nucleotide variant.
Coding change: c.2631C>T on transcript NM_004525.3 (MANE Select); coding-DNA position 2631, C replaced by T.
Protein change: p.Ile877=; no amino-acid change (isoleucine 877 retained).
Molecular consequence: synonymous variant.
Genome position (GRCh38, 1-based): chr2:169,257,132, G>A on the plus strand (C>T on the coding strand, the complement: LRP2 is on the minus strand). VCF-style: chr2-169257132-G-A. GRCh37 (hg19) VCF-style: chr2-170113642-G-A.
Identifiers: ClinVar variation 1981708 (VCV001981708.18), dbSNP rs139833815, ClinGen allele CA59920553.